The following is an entry in ClinVar:

ClinVar aggregate classification (germline): Uncertain significance (1 of 4 stars; one submission).

Allele frequency attached by ClinVar (database versions not stated): TOPMed below 0.00001; gnomAD exomes 0.00001.

Submission:

GeneDx
Classification: Uncertain significance. Last evaluated: 2022-08-08. Review status: criteria provided, single submitter. Criteria: GeneDx Variant Classification Process June 2021. Collection method: clinical testing. Allele origin: germline. Affected: yes.
Comment: Not observed in large population cohorts (gnomAD); In silico analysis supports that this missense variant does not alter protein structure/function; Has not been previously published as pathogenic or benign to our knowledge

NM_001330360.2(POLA1):c.632G>A (p.Gly211Glu)

Gene: POLA1 (DNA polymerase alpha 1, catalytic subunit; plus strand). Cytogenetic location: Xp22.11.
Variant type: single nucleotide variant.
Coding change: c.632G>A on transcript NM_001330360.2 (MANE Select); coding-DNA position 632, G replaced by A.
Protein change: p.Gly211Glu; replaces glycine 211 with glutamic acid.
Molecular consequence: missense variant. On other transcripts: non-coding transcript variant (2).
Genome position (GRCh38, 1-based): chrX:24,716,897, G>A. VCF-style: chrX-24716897-G-A. GRCh37 (hg19) VCF-style: chrX-24735014-G-A.
Other names: c.632G>A, p.Gly211Glu (NM_001378303.1); c.614G>A, p.Gly205Glu (NM_016937.4); short protein forms G205E, G211E.
Identifiers: ClinVar variation 1700773 (VCV001700773.2), dbSNP rs1929879236, ClinGen allele CA412528749.